The following is an entry in ClinVar:

ClinVar aggregate classification (germline): Uncertain significance (1 of 4 stars; one submission).

Submission:

Labcorp Genetics (formerly Invitae), Labcorp
Classification: Uncertain significance. Last evaluated: 2024-02-17. Review status: criteria provided, single submitter. Criteria: Invitae Variant Classification Sherloc (09022015). Collection method: clinical testing. Allele origin: germline.
Comment: This sequence change replaces arginine, which is basic and polar, with proline, which is neutral and non-polar, at codon 1158 of the CACNA1F protein (p.Arg1158Pro). This variant is not present in population databases (gnomAD no frequency). This variant has not been reported in the literature in individuals affected with CACNA1F-related conditions. An algorithm developed to predict the effect of missense changes on protein structure and function (PolyPhen-2) suggests that this variant is likely to be disruptive. In summary, the available evidence is currently insufficient to determine the role of this variant in disease. Therefore, it has been classified as a Variant of Uncertain Significance.

NM_001256789.3(CACNA1F):c.3440G>C (p.Arg1147Pro)

Gene: CACNA1F (calcium voltage-gated channel subunit alpha1 F; minus strand). Cytogenetic location: Xp11.23.
Variant type: single nucleotide variant.
Coding change: c.3440G>C on transcript NM_001256789.3 (MANE Select); coding-DNA position 3440, G replaced by C.
Protein change: p.Arg1147Pro; replaces arginine 1147 with proline.
Molecular consequence: missense variant.
Genome position (GRCh38, 1-based): chrX:49,215,243, C>G on the plus strand (G>C on the coding strand, the complement: CACNA1F is on the minus strand). VCF-style: chrX-49215243-C-G. GRCh37 (hg19) VCF-style: chrX-49071703-C-G.
Other names: c.3278G>C, p.Arg1093Pro (NM_001256790.3); c.3473G>C, p.Arg1158Pro (NM_005183.4); short protein forms R1147P, R1158P, R1093P.
Identifiers: ClinVar variation 3641446 (VCV003641446.2).
Genomic context (GRCh38, chrX:49,215,243, plus strand): 5'-GGGTTCTTGGGGATGTAACGGCGGAGTGGCTGGGCCTTGAGGGCATATTCCACACATTGA[C>G]GCTGCATACCAGGGCAGGGCATGAGTGAGCAGTGGGGTCCTGAGGCAAGGAGGGAAGGGT-3'
Protein context (NP_001243718.1, residues 1137-1157): YQNCELDKNQ[Arg1147Pro]QCVEYALKAQ